The following is an entry in ClinVar:

ClinVar aggregate classification (germline): Pathogenic (1 of 4 stars; one submission).

Conditions:
Congenital myasthenic syndrome 13 (CMS13). Also called: Myasthenic syndrome, congenital, with tubular aggregates 2; Myasthenic syndrome, congenital, 13, with tubular aggregates. Identifiers: Orphanet 353327, Orphanet 590, MedGen C3553645, MONDO:0013883, OMIM 614750.
DPAGT1-congenital disorder of glycosylation. Also called: DPAGT1-CDG; CONGENITAL DISORDER OF GLYCOSYLATION, TYPE Ij; CDG Ij. Identifiers: Orphanet 86309, MedGen C2931004, MONDO:0011964, OMIM 608093.

Submission:

Labcorp Genetics (formerly Invitae), Labcorp
Classification: Pathogenic for Congenital myasthenic syndrome 13; DPAGT1-congenital disorder of glycosylation. Last evaluated: 2024-11-09. Review status: criteria provided, single submitter. Criteria: Invitae Variant Classification Sherloc (09022015). Collection method: clinical testing. Allele origin: germline.
Comment: This sequence change creates a premature translational stop signal (p.Trp2*) in the DPAGT1 gene. It is expected to result in an absent or disrupted protein product. Loss-of-function variants in DPAGT1 are known to be pathogenic (PMID: 22742743). This variant is not present in population databases (gnomAD no frequency). This variant has not been reported in the literature in individuals affected with DPAGT1-related conditions. ClinVar contains an entry for this variant (Variation ID: 1460468). For these reasons, this variant has been classified as Pathogenic.

Literature cited by the submitters: PubMed 22742743.

NM_001382.4(DPAGT1):c.6G>A (p.Trp2Ter)

Genes: DPAGT1 (dolichyl-phosphate N-acetylglucosaminephosphotransferase 1; minus strand), LOC126861360 (BRD4-independent group 4 enhancer GRCh37_chr11:118972216-118973415; plus strand). Cytogenetic location: 11q23.3.
Variant type: single nucleotide variant.
Coding change: c.6G>A on transcript NM_001382.4 (MANE Select); coding-DNA position 6, G replaced by A.
Protein change: p.Trp2Ter; replaces tryptophan 2 with a stop codon.
Molecular consequence: nonsense.
Genome position (GRCh38, 1-based): chr11:119,101,650, C>T on the plus strand (G>A on the coding strand, the complement: DPAGT1 is on the minus strand). VCF-style: chr11-119101650-C-T. GRCh37 (hg19) VCF-style: chr11-118972360-C-T.
Other names: short protein forms W2*.
Identifiers: ClinVar variation 1460468 (VCV001460468.6), dbSNP rs2134919748, ClinGen allele CA382917592.